The following is an entry in ClinVar:

NM_000169.3(GLA):c.284G>A (p.Trp95Ter)

Genes: GLA (galactosidase alpha; minus strand), RPL36A-HNRNPH2 (RPL36A-HNRNPH2 readthrough; plus strand). Cytogenetic location: Xq22.1.
Variant type: single nucleotide variant.
Coding change: c.284G>A on transcript NM_000169.3 (MANE Select); coding-DNA position 284, G replaced by A.
Protein change: p.Trp95Ter; replaces tryptophan 95 with a stop codon.
Molecular consequence: nonsense. On other transcripts: non-coding transcript variant (3), intron variant (2).
Genome position (GRCh38, 1-based): chrX:101,403,896, C>T on the plus strand (G>A on the coding strand, the complement: GLA is on the minus strand). VCF-style: chrX-101403896-C-T. GRCh37 (hg19) VCF-style: chrX-100658884-C-T.
Other names: c.407G>A, p.Trp136Ter (NM_001406747.1, NM_001406749.1); c.284G>A, p.Trp95Ter (NM_001406748.1); c.301-8040C>T (NM_001199973.2); c.178-8040C>T (NM_001199974.2); short protein forms W136*, W95*.
Identifiers: ClinVar variation 4087149 (VCV004087149.2).

ClinVar aggregate classification (germline): Pathogenic (1 of 4 stars; one submission).

Conditions:
Fabry disease. Also called: ALPHA-GALACTOSIDASE A DEFICIENCY; ANDERSON-FABRY DISEASE; CERAMIDE TRIHEXOSIDASE DEFICIENCY; GLA DEFICIENCY; HEREDITARY DYSTOPIC LIPIDOSIS; Angiokeratoma corporis diffusum. Identifiers: Orphanet 324, MedGen C0002986, MONDO:0010526, OMIM 301500, HP:0001071. Disease mechanism: Fabry disease is due to inactivating mutations in the X-linked GLA gene resulting in deficiency of the enzyme Alpha Galactosidase-A., loss of function.

Submission:

Genomenon, Inc
Classification: Pathogenic for Fabry disease. Last evaluated: 2026-09-08. Review status: criteria provided, single submitter. Criteria: Genomenon Sequence Variant Interpretation Standards - Updated. Collection method: curation. Allele origin: germline. Affected: yes.
Comment: GLA p.Trp95Ter (c.284G>A) is a nonsense variant that introduces a premature stop codon at amino acid position 95 and is predicted to result in a truncated or absent protein product. This variant has been observed in at least one proband with clinical features consistent with Fabry disease (PMID:12938095;38395389). Functional or patient cell studies have been reported (PMID:12938095). It is absent or not present at a significant frequency in gnomAD. In conclusion, we classify GLA p.Trp95Ter (c.284G>A) as a pathogenic variant.

Literature cited by the submitters: PubMed 12938095; PubMed 38395389.